The following is an entry in ClinVar:

NM_001009944.3(PKD1):c.7124C>T (p.Ala2375Val)

Gene: PKD1 (polycystin 1, transient receptor potential channel interacting; minus strand). Cytogenetic location: 16p13.3.
Variant type: single nucleotide variant.
Coding change: c.7124C>T on transcript NM_001009944.3 (MANE Select); coding-DNA position 7124, C replaced by T.
Protein change: p.Ala2375Val; replaces alanine 2375 with valine.
Molecular consequence: missense variant.
Genome position (GRCh38, 1-based): chr16:2,106,890, G>A on the plus strand (C>T on the coding strand, the complement: PKD1 is on the minus strand). VCF-style: chr16-2106890-G-A. GRCh37 (hg19) VCF-style: chr16-2156891-G-A.
Other names: c.7124C>T, p.Ala2375Val (NM_000296.4); short protein forms A2375V.
Identifiers: ClinVar variation 829970 (VCV000829970.32), dbSNP rs780145654, ClinGen allele CA7831279.

ClinVar aggregate classification (germline): Conflicting classifications of pathogenicity. Review status: criteria provided, conflicting classifications (1 of 4 stars). 4 submissions from 4 submitters: Uncertain significance (1); Likely benign (1). 2 of the submissions do not count toward it. Last evaluated 2025-01-01.

Conditions:
Polycystic kidney disease, adult type (PKD1). Also called: POLYCYSTIC KIDNEY DISEASE 1 WITH OR WITHOUT POLYCYSTIC LIVER DISEASE; POLYCYSTIC KIDNEY DISEASE, ADULT, TYPE I; Polycystic Kidney Disease 1, Autosomal Dominant; Polycystic kidney disease 1; Polycystic kidney disease 1, severe; Polycystic Kidney, Autosomal Dominant. Identifiers: MedGen C3149841, MONDO:0008263, OMIM 173900.
PKD1-related disorder. Also called: PKD1-related condition.

Allele frequency attached by ClinVar (database versions not stated): TOPMed 0.00015; gnomAD exomes 0.00030 and 0.00033; gnomAD 0.00036 and 0.00039; ExAC 0.00048.
gnomAD v4.1: 463 of 1,558,846 alleles (0.03%); highest among the groups gnomAD compares: Middle Eastern, 0.046%; 2 homozygotes.

Submissions (4):

CeGaT Center for Human Genetics Tuebingen
Classification: Likely benign. Last evaluated: 2025-01-01. Review status: criteria provided, single submitter. Criteria: CeGaT Center For Human Genetics Tuebingen Variant Classification Criteria Version 2. Collection method: clinical testing. Allele origin: germline. Affected: yes. Observed: 2 variant alleles.
Comment: PKD1: BS2

Fulgent Genetics
Classification: Uncertain significance for Polycystic kidney disease, adult type. Last evaluated: 2021-07-26. Review status: criteria provided, single submitter. Criteria: ACMG Guidelines, 2015. Collection method: clinical testing. Allele origin: unknown.

PreventionGenetics, part of Exact Sciences
Classification: Likely benign for PKD1-related condition. Last evaluated: 2023-02-21. Review status: no assertion criteria provided. Collection method: clinical testing. Allele origin: germline. Not counted in ClinVar's aggregate classification.
Comment: This variant is classified as likely benign based on ACMG/AMP sequence variant interpretation guidelines (Richards et al. 2015 PMID: 25741868, with internal and published modifications).

Bioscientia Institut fuer Medizinische Diagnostik GmbH, Sonic Healthcare
Classification: Uncertain significance for Polycystic kidney disease, adult type. Last evaluated: 2019-11-06. Review status: no assertion criteria provided. Collection method: clinical testing. Allele origin: germline. Affected: yes. Not counted in ClinVar's aggregate classification.